The following is an entry in ClinVar:

ClinVar aggregate classification (germline): Uncertain significance (1 of 4 stars; one submission).

Allele frequency attached by ClinVar (database versions not stated): ExAC 0.00005; gnomAD exomes 0.00005.
gnomAD v4.1: 16 of 1,388,192 alleles (0.0012%); highest among the groups gnomAD compares: South Asian, 0.025%; no homozygotes.

Submission:

Labcorp Genetics (formerly Invitae), Labcorp
Classification: Uncertain significance. Last evaluated: 2022-07-05. Review status: criteria provided, single submitter. Criteria: Invitae Variant Classification Sherloc (09022015). Collection method: clinical testing. Allele origin: germline.
Comment: In summary, the available evidence is currently insufficient to determine the role of this variant in disease. Therefore, it has been classified as a Variant of Uncertain Significance. Algorithms developed to predict the effect of missense changes on protein structure and function (SIFT, PolyPhen-2, Align-GVGD) all suggest that this variant is likely to be tolerated. ClinVar contains an entry for this variant (Variation ID: 1362566). This variant has not been reported in the literature in individuals affected with SAMD11-related conditions. This variant is present in population databases (rs748970150, gnomAD 0.05%). This sequence change replaces proline, which is neutral and non-polar, with alanine, which is neutral and non-polar, at codon 311 of the SAMD11 protein (p.Pro311Ala).

NM_001385641.1(SAMD11):c.1420C>G (p.Pro474Ala)

Gene: SAMD11 (sterile alpha motif domain containing 11; plus strand). Cytogenetic location: 1p36.33.
Variant type: single nucleotide variant.
Coding change: c.1420C>G on transcript NM_001385641.1 (MANE Select); coding-DNA position 1420, C replaced by G.
Protein change: p.Pro474Ala; replaces proline 474 with alanine.
Molecular consequence: missense variant.
Genome position (GRCh38, 1-based): chr1:942,197, C>G. VCF-style: chr1-942197-C-G. GRCh37 (hg19) VCF-style: chr1-877577-C-G.
Other names: c.1423C>G, p.Pro475Ala (NM_001385640.1); c.931C>G, p.Pro311Ala (NM_152486.4); short protein forms P311A, P474A, P475A.
Identifiers: ClinVar variation 1362566 (VCV001362566.8), dbSNP rs748970150, ClinGen allele CA502893.